The following is an entry in ClinVar:

NM_000135.4(FANCA):c.283+2T>C

Gene: FANCA (FA complementation group A; minus strand). Cytogenetic location: 16q24.3.
Variant type: single nucleotide variant.
Coding change: c.283+2T>C on transcript NM_000135.4 (MANE Select); the canonical splice donor site of the intron after coding-DNA position 283, T replaced by C.
Molecular consequence: splice donor variant.
Genome position (GRCh38, 1-based): chr16:89,814,518, A>G on the plus strand (T>C on the coding strand, the complement: FANCA is on the minus strand). VCF-style: chr16-89814518-A-G. GRCh37 (hg19) VCF-style: chr16-89880926-A-G.
Other names: c.283+2T>C (NM_001286167.3, NM_001351830.2, NM_001018112.3).
Identifiers: ClinVar variation 2675418 (VCV002675418.4), dbSNP rs2544382014, ClinGen allele CA397482408.

ClinVar aggregate classification (germline): Pathogenic. Review status: criteria provided, multiple submitters, no conflicts (2 of 4 stars). 2 submissions from 2 submitters: Pathogenic (2). Last evaluated 2023-08-22.

Conditions:
Fanconi anemia (FA). Also called: Fanconi's anemia. Identifiers: Orphanet 84, MedGen C0015625, MeSH D005199, MONDO:0019391.
Fanconi anemia complementation group A (FANCA). Also called: FANCA-Related Fanconi Anemia; Fanconi anemia, group A. Identifiers: Orphanet 84, MedGen C3469521, MONDO:0009215, OMIM 227650.

Submissions (2):

Baylor Genetics
Classification: Pathogenic for Fanconi anemia complementation group A. Last evaluated: 2023-08-22. Review status: criteria provided, single submitter. Criteria: ACMG Guidelines, 2015. Collection method: clinical testing. Allele origin: unknown.

Labcorp Genetics (formerly Invitae), Labcorp
Classification: Pathogenic for Fanconi anemia. Last evaluated: 2022-10-27. Review status: criteria provided, single submitter. Criteria: Invitae Variant Classification Sherloc (09022015). Collection method: clinical testing. Allele origin: germline.
Comment: For these reasons, this variant has been classified as Pathogenic. Algorithms developed to predict the effect of sequence changes on RNA splicing suggest that this variant may disrupt the consensus splice site. Disruption of this splice site has been observed in individual(s) with Fanconi anemia (PMID: 28102861, 30792206; Invitae). In at least one individual the data is consistent with being in trans (on the opposite chromosome) from a pathogenic variant. This variant is not present in population databases (gnomAD no frequency). This sequence change affects a donor splice site in intron 3 of the FANCA gene. It is expected to disrupt RNA splicing. Variants that disrupt the donor or acceptor splice site typically lead to a loss of protein function (PMID: 16199547), and loss-of-function variants in FANCA are known to be pathogenic (PMID: 19367192).

Literature cited by the submitters: PubMed 28102861 (cited by Labcorp Genetics (formerly Invitae), Labcorp); PubMed 30792206 (cited by Labcorp Genetics (formerly Invitae), Labcorp); PubMed 16199547 (cited by Labcorp Genetics (formerly Invitae), Labcorp); PubMed 19367192 (cited by Labcorp Genetics (formerly Invitae), Labcorp).